The following is an entry in ClinVar:

ClinVar aggregate classification (germline): Pathogenic. Review status: criteria provided, multiple submitters, no conflicts (2 of 4 stars). 2 submissions from 2 submitters: Pathogenic (2). Last evaluated 2026-02-19.

Conditions:
Capillary malformation-arteriovenous malformation syndrome. Also called: Capillary malformation-arteriovenous malformation. Identifiers: Orphanet 137667, MedGen C1842180, MONDO:0012016.
Vascular skin disorders.

Submissions (2):

Genetics Laboratory, Great Ormond Street Hospital NHS Foundation Trust, North Thames Genomic Laboratory Hub
Classification: Pathogenic for Vascular skin disorders. Last evaluated: 2026-02-19. Review status: criteria provided, single submitter. Criteria: ACGS Best Practice Guidelines for Variant Classification in Rare Disease 2024 v1.2. Collection method: clinical testing. Allele origin: germline. Affected: yes.
Comment: PM2_moderate, PVS1_very-strong

Labcorp Genetics (formerly Invitae), Labcorp
Classification: Pathogenic for Capillary malformation-arteriovenous malformation syndrome. Last evaluated: 2025-10-13. Review status: criteria provided, single submitter. Criteria: Invitae Variant Classification Sherloc (09022015). Collection method: clinical testing. Allele origin: germline.
Comment: This sequence change creates a premature translational stop signal (p.Glu510*) in the RASA1 gene. It is expected to result in an absent or disrupted protein product. Loss-of-function variants in RASA1 are known to be pathogenic (PMID: 24038909). This variant is not present in population databases (gnomAD no frequency). This variant has not been reported in the literature in individuals affected with RASA1-related conditions. Algorithms developed to predict the effect of sequence changes on RNA splicing suggest that this variant may disrupt the consensus splice site. For these reasons, this variant has been classified as Pathogenic.

Literature cited by the submitters: PubMed 24038909 (cited by Labcorp Genetics (formerly Invitae), Labcorp).

NM_002890.3(RASA1):c.1528G>T (p.Glu510Ter)

Genes: CCNH (cyclin H; minus strand), RASA1 (RAS p21 protein activator 1; plus strand). Cytogenetic location: 5q14.3.
Variant type: single nucleotide variant.
Coding change: c.1528G>T on transcript NM_002890.3 (MANE Select); coding-DNA position 1528, G replaced by T.
Protein change: p.Glu510Ter; replaces glutamic acid 510 with a stop codon.
Molecular consequence: nonsense. On other transcripts: intron variant (1).
Genome position (GRCh38, 1-based): chr5:87,363,422, G>T. VCF-style: chr5-87363422-G-T. GRCh37 (hg19) VCF-style: chr5-86659239-G-T.
Other names: c.997G>T, p.Glu333Ter (NM_022650.3); c.933+31622C>A (NM_001364075.2); short protein forms E333*, E510*.
Identifiers: ClinVar variation 4809484 (VCV004809484.2).